The following is an entry in ClinVar:

ClinVar aggregate classification (germline): Uncertain significance (1 of 4 stars; one submission).

Submission:

Labcorp Genetics (formerly Invitae), Labcorp
Classification: Uncertain significance. Last evaluated: 2024-10-02. Review status: criteria provided, single submitter. Criteria: Invitae Variant Classification Sherloc (09022015). Collection method: clinical testing. Allele origin: germline.
Comment: This sequence change replaces valine, which is neutral and non-polar, with alanine, which is neutral and non-polar, at codon 585 of the PPP2R1A protein (p.Val585Ala). This variant is not present in population databases (gnomAD no frequency). This variant has not been reported in the literature in individuals affected with PPP2R1A-related conditions. An algorithm developed to predict the effect of missense changes on protein structure and function (PolyPhen-2) suggests that this variant is likely to be tolerated. In summary, the available evidence is currently insufficient to determine the role of this variant in disease. Therefore, it has been classified as a Variant of Uncertain Significance.

NM_014225.6(PPP2R1A):c.1754T>C (p.Val585Ala)

Gene: PPP2R1A (protein phosphatase 2 scaffold subunit Aalpha; plus strand). Cytogenetic location: 19q13.41.
Variant type: single nucleotide variant.
Coding change: c.1754T>C on transcript NM_014225.6 (MANE Select); coding-DNA position 1754, T replaced by C.
Protein change: p.Val585Ala; replaces valine 585 with alanine.
Molecular consequence: missense variant. On other transcripts: non-coding transcript variant (1).
Genome position (GRCh38, 1-based): chr19:52,225,965, T>C. VCF-style: chr19-52225965-T-C. GRCh37 (hg19) VCF-style: chr19-52729218-T-C.
Other names: c.1217T>C, p.Val406Ala (NM_001363656.2); short protein forms V406A, V585A.
Identifiers: ClinVar variation 3686562 (VCV003686562.2).